The following is an entry in ClinVar:

NM_018723.4(RBFOX1):c.233C>T (p.Ala78Val)

Gene: RBFOX1 (RNA binding fox-1 homolog 1; plus strand). Cytogenetic location: 16p13.3.
Variant type: single nucleotide variant.
Coding change: c.233C>T on transcript NM_018723.4 (MANE Select); coding-DNA position 233, C replaced by T.
Protein change: p.Ala78Val; replaces alanine 78 with valine.
Molecular consequence: missense variant.
Genome position (GRCh38, 1-based): chr16:7,518,352, C>T. VCF-style: chr16-7518352-C-T. GRCh37 (hg19) VCF-style: chr16-7568354-C-T.
Other names: c.233C>T, p.Ala78Val (NM_001142333.2, NM_001142334.2, NM_001364800.2 and 1 more transcripts); c.362C>T, p.Ala121Val (NM_001308117.1, NM_001411047.1, NM_001415891.1 and 5 more transcripts); c.830C>T, p.Ala277Val (NM_001415887.1, NM_001415888.1); c.341C>T, p.Ala114Val (NM_001415889.1, NM_001415892.1, NM_001415894.1 and 5 more transcripts); c.308C>T, p.Ala103Val (NM_001415890.1, NM_001415893.1, NM_001415899.1 and 4 more transcripts); c.293C>T, p.Ala98Val (NM_001415896.1, NM_001415904.1, NM_001415906.1 and 4 more transcripts); c.239C>T, p.Ala80Val (NM_001415902.1, NM_001415911.1, NM_001415917.1); short protein forms A103V, A78V, A98V, A121V, A114V, A277V, A80V.
Identifiers: ClinVar variation 4750018 (VCV004750018.1).

ClinVar aggregate classification (germline): Uncertain significance (1 of 4 stars; one submission).

Conditions:
Idiopathic generalized epilepsy. Also called: Generalised epilepsy; EIG. Identifiers: MedGen C0270850, MONDO:0005579, OMIM 600669.

gnomAD v4.1: 2 of 1,613,202 alleles (0.00012%); highest among the groups gnomAD compares: Admixed American, 0.0017%; no homozygotes.

Submission:

Labcorp Genetics (formerly Invitae), Labcorp
Classification: Uncertain significance for Idiopathic generalized epilepsy. Last evaluated: 2025-03-20. Review status: criteria provided, single submitter. Criteria: Invitae Variant Classification Sherloc (09022015). Collection method: clinical testing. Allele origin: germline.
Comment: This sequence change replaces alanine, which is neutral and non-polar, with valine, which is neutral and non-polar, at codon 98 of the RBFOX1 protein (p.Ala98Val). This variant is not present in population databases (gnomAD no frequency). This variant has not been reported in the literature in individuals affected with RBFOX1-related conditions. Invitae Evidence Modeling of protein sequence and biophysical properties (such as structural, functional, and spatial information, amino acid conservation, physicochemical variation, residue mobility, and thermodynamic stability) indicates that this missense variant is not expected to disrupt RBFOX1 protein function with a negative predictive value of 80%. In summary, the available evidence is currently insufficient to determine the role of this variant in disease. Therefore, it has been classified as a Variant of Uncertain Significance.